The following is an entry in ClinVar:

NM_005392.4(PHF2):c.342G>A (p.Thr114=)

Gene: PHF2 (PHD finger protein 2; plus strand). Cytogenetic location: 9q22.31.
Variant type: single nucleotide variant.
Coding change: c.342G>A on transcript NM_005392.4 (MANE Select); coding-DNA position 342, G replaced by A.
Protein change: p.Thr114=; no amino-acid change (threonine 114 retained).
Molecular consequence: synonymous variant.
Genome position (GRCh38, 1-based): chr9:93,645,671, G>A. VCF-style: chr9-93645671-G-A. GRCh37 (hg19) VCF-style: chr9-96407953-G-A.
Identifiers: ClinVar variation 3038246 (VCV003038246.2), dbSNP rs35505758, ClinGen allele CA5132372.

ClinVar aggregate classification (germline): Benign (0 of 4 stars; one submission).

Conditions:
PHF2-related disorder. Also called: PHF2-related condition.

Allele frequency attached by ClinVar (database versions not stated): 1000 Genomes Project 30x 0.01640; 1000 Genomes Project 0.01757; ESP Exome Variant Server 0.02007; gnomAD 0.02060.
gnomAD v4.1: 29,483 of 1,611,392 alleles (1.8%); highest among the groups gnomAD compares: Middle Eastern, 3.2%; 345 homozygotes.

Submission:

PreventionGenetics, part of Exact Sciences
Classification: Benign for PHF2-related condition. Last evaluated: 2019-06-28. Review status: no assertion criteria provided. Collection method: clinical testing. Allele origin: germline.
Comment: This variant is classified as benign based on ACMG/AMP sequence variant interpretation guidelines (Richards et al. 2015 PMID: 25741868, with internal and published modifications).